The following is an entry in ClinVar:

ClinVar aggregate classification (germline): Likely benign (1 of 4 stars; one submission).

Allele frequency attached by ClinVar (database versions not stated): gnomAD exomes 0.00002; ExAC 0.00005; ESP Exome Variant Server 0.00008; gnomAD 0.00009; TOPMed 0.00013.
gnomAD v4.1: 48 of 1,614,046 alleles (0.003%); highest among the groups gnomAD compares: African/African-American, 0.031%; no homozygotes.

Submission:

CeGaT Center for Human Genetics Tuebingen
Classification: Likely benign. Last evaluated: 2022-05-01. Review status: criteria provided, single submitter. Criteria: CeGaT Center For Human Genetics Tuebingen Variant Classification Criteria Version 2. Collection method: clinical testing. Allele origin: germline. Affected: yes. Observed: 2 variant alleles.
Comment: PCDHGA1: BP4, BP7; PCDHGA2: BP4, BP7; PCDHGA7: BP4, BP7; PCDHGA9: BP4, BP7

NM_018912.3(PCDHGA1):c.2502C>T (p.Thr834=)

Genes: PCDHG@ (protocadherin gamma cluster; plus strand), PCDHGA1 (protocadherin gamma subfamily A, 1; plus strand), PCDHGA10 (protocadherin gamma subfamily A, 10; plus strand), PCDHGA11 (protocadherin gamma subfamily A, 11; plus strand), PCDHGA12 (protocadherin gamma subfamily A, 12; plus strand) and 18 more. Cytogenetic location: 5q31.3.
Variant type: single nucleotide variant.
Coding change: c.2502C>T on transcript NM_018912.3 (MANE Select); coding-DNA position 2502, C replaced by T.
Protein change: p.Thr834=; no amino-acid change (threonine 834 retained).
Molecular consequence: synonymous variant.
Genome position (GRCh38, 1-based): chr5:141,505,414, C>T. VCF-style: chr5-141505414-C-T. GRCh37 (hg19) VCF-style: chr5-140884981-C-T.
Other names: c.2505C>T, p.Thr835= (NM_003735.3, NM_018921.3, NM_018920.4 and 4 more transcripts); c.2511C>T, p.Thr837= (NM_002588.4); c.111C>T, p.Thr37= (NM_032403.3); c.2541C>T, p.Thr847= (NM_018929.3); c.93C>T, p.Thr31= (NM_001386884.1); c.2523C>T, p.Thr841= (NM_018928.3); c.2496C>T, p.Thr832= (NM_018927.4, NM_018924.5); c.2499C>T, p.Thr833= (NM_018926.3); and 7 more.
Identifiers: ClinVar variation 2655867 (VCV002655867.24), dbSNP rs373956550, ClinGen allele CA3478559.
Genomic context (GRCh38, chr5:141,505,414, plus strand): 5'-GCCTGGGAGTCTGTGCTCACCATCCTACTCTCTCCCCAGCTCCCAAAATGGCGATGACAC[C>T]GGCACCTGGCCCAACAACCAGTTTGACACAGAGATGCTGCAAGCCATGATCTTGGCGTCC-3'
Protein context (NP_061735.1, residues 824-844): GTSGSQNGDD[Thr834=]GTWPNNQFDT